The following is an entry in ClinVar:

NM_001844.5(COL2A1):c.2581G>T (p.Gly861Cys)

Gene: COL2A1 (collagen type II alpha 1 chain; minus strand). Cytogenetic location: 12q13.11.
Variant type: single nucleotide variant.
Coding change: c.2581G>T on transcript NM_001844.5 (MANE Select); coding-DNA position 2581, G replaced by T.
Protein change: p.Gly861Cys; replaces glycine 861 with cysteine.
Molecular consequence: missense variant.
Genome position (GRCh38, 1-based): chr12:47,980,598, C>A on the plus strand (G>T on the coding strand, the complement: COL2A1 is on the minus strand). VCF-style: chr12-47980598-C-A. GRCh37 (hg19) VCF-style: chr12-48374381-C-A.
Other names: c.2374G>T, p.Gly792Cys (NM_033150.3); short protein forms G792C, G861C.
Identifiers: ClinVar variation 4747059 (VCV004747059.1).

ClinVar aggregate classification (germline): Likely pathogenic (1 of 4 stars; one submission).

Submission:

Labcorp Genetics (formerly Invitae), Labcorp
Classification: Likely pathogenic. Last evaluated: 2025-08-06. Review status: criteria provided, single submitter. Criteria: Invitae Variant Classification Sherloc (09022015). Collection method: clinical testing. Allele origin: germline.
Comment: This sequence change replaces glycine, which is neutral and non-polar, with cysteine, which is neutral and slightly polar, at codon 861 of the COL2A1 protein (p.Gly861Cys). This variant is not present in population databases (gnomAD no frequency). This variant has not been reported in the literature in individuals affected with COL2A1-related conditions. Invitae Evidence Modeling of protein sequence and biophysical properties (such as structural, functional, and spatial information, amino acid conservation, physicochemical variation, residue mobility, and thermodynamic stability) indicates that this missense variant is expected to disrupt COL2A1 protein function with a positive predictive value of 95%. This variant disrupts the triple helix domain of COL2A1. Glycine residues within the Gly-Xaa-Yaa repeats of the triple helix domain are required for the structure and stability of fibrillar collagens (PMID: 7695699, 8218237, 19344236). In COL2A1, variants affecting these glycine residues are significantly enriched in individuals with disease (PMID: 9016532, 17078022) compared to the general population (ExAC). In summary, the currently available evidence indicates that the variant is pathogenic, but additional data are needed to prove that conclusively. Therefore, this variant has been classified as Likely Pathogenic.

Literature cited by the submitters: PubMed 7695699; PubMed 8218237; PubMed 19344236; PubMed 9016532; PubMed 17078022.